The following is an entry in ClinVar:

ClinVar aggregate classification (germline): Pathogenic. Review status: criteria provided, single submitter (1 of 4 stars). 2 submissions from 1 submitter: Pathogenic (2). Last evaluated 2021-10-06.

Conditions:
Mosaic variegated aneuploidy syndrome 1 (MVA1). Also called: Warburton-Anyane-Yeboa syndrome. Identifiers: Orphanet 1052, MedGen C1850343, MONDO:0009759, OMIM 257300.
Premature chromatid separation trait (PCS). Also called: TOTAL PREMATURE CHROMATID SEPARATION TRAIT. Identifiers: MedGen C1864389, MONDO:0008304, OMIM 176430.

Allele frequency attached by ClinVar (database versions not stated): gnomAD exomes below 0.00001.

Submissions (2):

Laboratory of Medical Genetics, National & Kapodistrian University of Athens
Classification: Pathogenic for Premature chromatid separation trait. Last evaluated: 2021-10-06. Review status: criteria provided, single submitter. Criteria: ACMG Guidelines, 2015. Collection method: clinical testing. Allele origin: unknown.
Comment: PVS1, PM2, PP3

Laboratory of Medical Genetics, National & Kapodistrian University of Athens
Classification: Pathogenic for Mosaic variegated aneuploidy syndrome 1. Last evaluated: 2021-08-10. Review status: criteria provided, single submitter. Criteria: ACMG Guidelines, 2015. Collection method: clinical testing. Allele origin: unknown. Affected: yes.
Comment: the same text as in the submission from Laboratory of Medical Genetics, National & Kapodistrian University of Athens above.

NM_001211.6(BUB1B):c.2636dup (p.His880fs)

Gene: BUB1B (BUB1 mitotic checkpoint serine/threonine kinase B; plus strand). Cytogenetic location: 15q15.1.
Variant type: Duplication.
Coding change: c.2636dup on transcript NM_001211.6 (MANE Select); coding-DNA position 2636, one base duplicated (T; older notation c.2636dupT).
Protein change: p.His880fs; shifts the reading frame from histidine 880.
Molecular consequence: frameshift variant.
Genome position (GRCh38, 1-based): chr15:40,213,432, T duplicated. VCF-style (leftmost placement, unchanged base first): chr15-40213431-G-GT. GRCh37 (hg19) VCF-style: chr15-40505632-G-GT.
Other names: c.2636dupT (NM_001211.6); short protein forms H880fs.
Identifiers: ClinVar variation 1299567 (VCV001299567.1), dbSNP rs2140908210, ClinGen allele CA2499222906.